The following is an entry in ClinVar:

ClinVar aggregate classification (germline): Likely benign. Review status: criteria provided, multiple submitters, no conflicts (2 of 4 stars). 2 submissions from 2 submitters: Likely benign (2). Last evaluated 2025-07-30.

Conditions:
PLXNA2-related disorder. Also called: PLXNA2-related condition.

gnomAD v4.1: 3 of 1,612,246 alleles (0.00019%); highest among the groups gnomAD compares: Non-Finnish European, 0.00025%; no homozygotes.

Submissions (2):

PreventionGenetics, part of Exact Sciences
Classification: Likely benign for PLXNA2-related condition. Last evaluated: 2025-07-30. Review status: criteria provided, single submitter. Criteria: ACMG Guidelines, 2015. Collection method: clinical testing. Allele origin: germline.
Comment: This variant is classified as likely benign based on ACMG/AMP sequence variant interpretation guidelines (Richards et al. 2015 PMID: 25741868, with internal and published modifications).

Labcorp Genetics (formerly Invitae), Labcorp
Classification: Likely benign. Last evaluated: 2024-11-12. Review status: criteria provided, single submitter. Criteria: Invitae Variant Classification Sherloc (09022015). Collection method: clinical testing. Allele origin: germline.

NM_025179.4(PLXNA2):c.1605C>T (p.Asn535=)

Gene: PLXNA2 (plexin A2; minus strand). Cytogenetic location: 1q32.2.
Variant type: single nucleotide variant.
Coding change: c.1605C>T on transcript NM_025179.4 (MANE Select); coding-DNA position 1605, C replaced by T.
Protein change: p.Asn535=; no amino-acid change (asparagine 535 retained).
Molecular consequence: synonymous variant.
Genome position (GRCh38, 1-based): chr1:208,103,149, G>A on the plus strand (C>T on the coding strand, the complement: PLXNA2 is on the minus strand). VCF-style: chr1-208103149-G-A. GRCh37 (hg19) VCF-style: chr1-208276494-G-A.
Other names: c.1605C>T (NM_025179.3).
Identifiers: ClinVar variation 3687251 (VCV003687251.3).